The following is an entry in ClinVar:

ClinVar aggregate classification (germline): Likely benign. Review status: criteria provided, multiple submitters, no conflicts (2 of 4 stars). 2 submissions from 2 submitters: Likely benign (2). Last evaluated 2024-10-01.

Conditions:
Charcot-Marie-Tooth disease type 4. Also called: Charcot-Marie-Tooth disease, type IV; Charcot-Marie-Tooth, Type 4. Identifiers: Orphanet 64749, MedGen C4082197, MONDO:0018995.

Allele frequency attached by ClinVar (database versions not stated): gnomAD exomes 0.00001; TOPMed 0.00004.
gnomAD v4.1: 29 of 1,614,088 alleles (0.0018%); highest among the groups gnomAD compares: Middle Eastern, 0.016%; no homozygotes.

Submissions (2):

CeGaT Center for Human Genetics Tuebingen
Classification: Likely benign. Last evaluated: 2024-10-01. Review status: criteria provided, single submitter. Criteria: CeGaT Center For Human Genetics Tuebingen Variant Classification Criteria Version 2. Collection method: clinical testing. Allele origin: germline. Affected: yes. Observed: 1 variant allele.
Comment: NDRG1: BP4, BP7

Labcorp Genetics (formerly Invitae), Labcorp
Classification: Likely benign for Charcot-Marie-Tooth disease type 4. Last evaluated: 2023-09-21. Review status: criteria provided, single submitter. Criteria: Invitae Variant Classification Sherloc (09022015). Collection method: clinical testing. Allele origin: germline.

NM_006096.4(NDRG1):c.165C>T (p.Asn55=)

Gene: NDRG1 (N-myc downstream regulated 1; minus strand). Cytogenetic location: 8q24.22.
Variant type: single nucleotide variant.
Coding change: c.165C>T on transcript NM_006096.4 (MANE Select); coding-DNA position 165, C replaced by T.
Protein change: p.Asn55=; no amino-acid change (asparagine 55 retained).
Molecular consequence: synonymous variant. On other transcripts: 5 prime UTR variant (2), intron variant (1).
Genome position (GRCh38, 1-based): chr8:133,264,587, G>A on the plus strand (C>T on the coding strand, the complement: NDRG1 is on the minus strand). VCF-style: chr8-133264587-G-A. GRCh37 (hg19) VCF-style: chr8-134276830-G-A.
Other names: c.165C>T, p.Asn55= (NM_001135242.2, NM_001374844.1, NM_001374845.1 and 1 more transcripts); c.-34C>T (NM_001258432.2, NM_001374847.1); c.-38-2420C>T (NM_001258433.2).
Identifiers: ClinVar variation 699871 (VCV000699871.24), dbSNP rs368056707, ClinGen allele CA4886868.